The following is an entry in ClinVar:

ClinVar aggregate classification (germline): Pathogenic (1 of 4 stars; one submission).

Conditions:
Deficiency of ferroxidase (ACEP). Also called: Aceruloplasminemia; Ceruloplasmin deficiency; Familial apoceruloplasmin deficiency; Hereditary ceruloplasmin deficiency; Deficiency of ceruloplasmin; NEURODEGENERATION WITH BRAIN IRON ACCUMULATION 10. Identifiers: Orphanet 48818, MedGen C0878682, MONDO:0011426, OMIM 604290, HP:0025498.

gnomAD v4.1: 1 of 1,613,604 alleles (0.000062%); highest among the groups gnomAD compares: African/African-American, 0.0013%; no homozygotes.

Submission:

Labcorp Genetics (formerly Invitae), Labcorp
Classification: Pathogenic for Deficiency of ferroxidase. Last evaluated: 2024-01-29. Review status: criteria provided, single submitter. Criteria: Invitae Variant Classification Sherloc (09022015). Collection method: clinical testing. Allele origin: germline.
Comment: This sequence change creates a premature translational stop signal (p.Lys211*) in the CP gene. It is expected to result in an absent or disrupted protein product. Loss-of-function variants in CP are known to be pathogenic (PMID: 16629161). This variant is present in population databases (no rsID available, gnomAD 0.007%). This variant has not been reported in the literature in individuals affected with CP-related conditions. Algorithms developed to predict the effect of sequence changes on RNA splicing suggest that this variant may disrupt the consensus splice site. For these reasons, this variant has been classified as Pathogenic.

Literature cited by the submitters: PubMed 16629161.

NM_000096.4(CP):c.631A>T (p.Lys211Ter)

Gene: CP (ceruloplasmin; minus strand). Cytogenetic location: 3q25.1.
Variant type: single nucleotide variant.
Coding change: c.631A>T on transcript NM_000096.4 (MANE Select); coding-DNA position 631, A replaced by T.
Protein change: p.Lys211Ter; replaces lysine 211 with a stop codon.
Molecular consequence: nonsense. On other transcripts: non-coding transcript variant (1).
Genome position (GRCh38, 1-based): chr3:149,209,361, T>A on the plus strand (A>T on the coding strand, the complement: CP is on the minus strand). VCF-style: chr3-149209361-T-A. GRCh37 (hg19) VCF-style: chr3-148927148-T-A.
Other names: short protein forms K211*.
Identifiers: ClinVar variation 3704278 (VCV003704278.2).